The following is an entry in ClinVar:

ClinVar aggregate classification (germline): Conflicting classifications of pathogenicity. Review status: criteria provided, conflicting classifications (1 of 4 stars). 5 submissions from 5 submitters: Uncertain significance (4); Likely benign (1). Last evaluated 2024-05-07.

Conditions:
Wolfram syndrome 1 (WFS1). Identifiers: Orphanet 3463, MedGen C4551693, MONDO:0009101, OMIM 222300.

Allele frequency attached by ClinVar (database versions not stated): TOPMed 0.00003.
gnomAD v4.1: 6 of 1,611,266 alleles (0.00037%); highest among the groups gnomAD compares: Admixed American, 0.005%; no homozygotes.

Submissions (5):

Blueprint Genetics
Classification: Uncertain significance. Last evaluated: 2024-05-07. Review status: criteria provided, single submitter. Criteria: ACMG Guidelines, 2015. Collection method: clinical testing. Allele origin: germline.

Labcorp Genetics (formerly Invitae), Labcorp
Classification: Uncertain significance. Last evaluated: 2024-02-24. Review status: criteria provided, single submitter. Criteria: Invitae Variant Classification Sherloc (09022015). Collection method: clinical testing. Allele origin: germline.
Comment: This sequence change replaces valine, which is neutral and non-polar, with alanine, which is neutral and non-polar, at codon 839 of the WFS1 protein (p.Val839Ala). This variant is present in population databases (rs761114952, gnomAD 0.01%). This variant has not been reported in the literature in individuals affected with WFS1-related conditions. ClinVar contains an entry for this variant (Variation ID: 505203). Advanced modeling of protein sequence and biophysical properties (such as structural, functional, and spatial information, amino acid conservation, physicochemical variation, residue mobility, and thermodynamic stability) performed at Invitae indicates that this missense variant is not expected to disrupt WFS1 protein function with a negative predictive value of 95%. In summary, the available evidence is currently insufficient to determine the role of this variant in disease. Therefore, it has been classified as a Variant of Uncertain Significance.

GeneDx
Classification: Uncertain significance. Last evaluated: 2024-01-09. Review status: criteria provided, single submitter. Criteria: GeneDx Variant Classification Process June 2021. Collection method: clinical testing. Allele origin: germline. Affected: yes.
Comment: In silico analysis supports that this missense variant does not alter protein structure/function; Has not been previously published as pathogenic or benign to our knowledge

Laboratory for Molecular Medicine, Mass General Brigham Personalized Medicine
Classification: Uncertain significance. Last evaluated: 2016-06-28. Review status: criteria provided, single submitter. Criteria: LMM Criteria. Collection method: clinical testing. Allele origin: germline. Observed: 1 variant allele.
Comment: The p.Val839Ala variant in WFS1 has not been previously reported in individuals with hearing loss, but has been identified in 1/8552 East Asian chromosomes by t he Exome Aggregation Consortium (ExAC; dbSNP rs7 61114952). Although this variant has been seen in the general population, its fr equency is not high enough to rule out a pathogenic role. Computational predicti on tools and conservation analyses suggest that this variant may not impact the protein, though this information is not predictive enough to rule out pathogenic ity. In summary, the clinical significance of the p.Val839Ala variant is uncerta in.

Clinical Genomics, Uppaluri K&H Personalized Medicine Clinic
Classification: Likely benign for Wolfram syndrome 1. Review status: criteria provided, single submitter. Criteria: K & H Uppaluri Personalized Medicine Clinic Variant Classification & Assertion Criteria_Updated V.1. Collection method: research. Allele origin: unknown. Inheritance: Autosomal recessive inheritance.
Comment: Potent mutations in WFS1 gene are associated with Wolfram's syndrome, an autosomal recessive condition, which cause diabetes mellitus, diabetes insipidus, deafness and optic atrophy. However no sufficient evidence is found to ascertain the role of this particular variant rs761114952 in Wolfram's syndrome yet.

Literature cited by the submitters: PubMed 20738327 (cited by Clinical Genomics, Uppaluri K&H Personalized Medicine Clinic); PubMed 33879153 (cited by Clinical Genomics, Uppaluri K&H Personalized Medicine Clinic); PubMed 12955714 (cited by Clinical Genomics, Uppaluri K&H Personalized Medicine Clinic); PubMed 18060660 (cited by Clinical Genomics, Uppaluri K&H Personalized Medicine Clinic); PubMed 20301750 (cited by Clinical Genomics, Uppaluri K&H Personalized Medicine Clinic); PubMed 17603484 (cited by Clinical Genomics, Uppaluri K&H Personalized Medicine Clinic).

NM_006005.3(WFS1):c.2516T>C (p.Val839Ala)

Gene: WFS1 (wolframin ER transmembrane glycoprotein; plus strand). Cytogenetic location: 4p16.1.
Variant type: single nucleotide variant.
Coding change: c.2516T>C on transcript NM_006005.3 (MANE Select); coding-DNA position 2516, T replaced by C.
Protein change: p.Val839Ala; replaces valine 839 with alanine.
Molecular consequence: missense variant.
Genome position (GRCh38, 1-based): chr4:6,302,311, T>C. VCF-style: chr4-6302311-T-C. GRCh37 (hg19) VCF-style: chr4-6304038-T-C.
Other names: c.2516T>C, p.Val839Ala (NM_001145853.1); short protein forms V839A.
Identifiers: ClinVar variation 505203 (VCV000505203.12), dbSNP rs761114952, ClinGen allele CA2839760.